The following is an entry in ClinVar:

ClinVar aggregate classification (germline): Uncertain significance (1 of 4 stars; one submission).

Conditions:
Charcot-Marie-Tooth disease type 4. Also called: Charcot-Marie-Tooth, Type 4; Charcot-Marie-Tooth disease, type IV. Identifiers: Orphanet 64749, MedGen C4082197, MONDO:0018995.

Allele frequency attached by ClinVar (database versions not stated): gnomAD exomes below 0.00001.
gnomAD v4.1: 1 of 1,613,430 alleles (0.000062%); highest among the groups gnomAD compares: Admixed American, 0.0017%; no homozygotes.

Submission:

Labcorp Genetics (formerly Invitae), Labcorp
Classification: Uncertain significance for Charcot-Marie-Tooth disease type 4. Last evaluated: 2022-07-11. Review status: criteria provided, single submitter. Criteria: Invitae Variant Classification Sherloc (09022015). Collection method: clinical testing. Allele origin: germline.
Comment: This sequence change replaces serine, which is neutral and polar, with proline, which is neutral and non-polar, at codon 433 of the SH3TC2 protein (p.Ser433Pro). This variant is not present in population databases (gnomAD no frequency). This variant has not been reported in the literature in individuals affected with SH3TC2-related conditions. Advanced modeling of protein sequence and biophysical properties (such as structural, functional, and spatial information, amino acid conservation, physicochemical variation, residue mobility, and thermodynamic stability) performed at Invitae indicates that this missense variant is not expected to disrupt SH3TC2 protein function. In summary, the available evidence is currently insufficient to determine the role of this variant in disease. Therefore, it has been classified as a Variant of Uncertain Significance.

NM_024577.4(SH3TC2):c.1297T>C (p.Ser433Pro)

Gene: SH3TC2 (SH3 domain and tetratricopeptide repeats 2; minus strand). Cytogenetic location: 5q32.
Variant type: single nucleotide variant.
Coding change: c.1297T>C on transcript NM_024577.4 (MANE Select); coding-DNA position 1297, T replaced by C.
Protein change: p.Ser433Pro; replaces serine 433 with proline.
Molecular consequence: missense variant.
Genome position (GRCh38, 1-based): chr5:149,028,435, A>G on the plus strand (T>C on the coding strand, the complement: SH3TC2 is on the minus strand). VCF-style: chr5-149028435-A-G. GRCh37 (hg19) VCF-style: chr5-148407998-A-G.
Other names: short protein forms S433P.
Identifiers: ClinVar variation 2178829 (VCV002178829.1), dbSNP rs2531774477, ClinGen allele CA361669249.